The following is an entry in ClinVar:

NM_000138.5(FBN1):c.2102C>G (p.Ala701Gly)

Gene: FBN1 (fibrillin 1; minus strand). Cytogenetic location: 15q21.1.
Variant type: single nucleotide variant.
Coding change: c.2102C>G on transcript NM_000138.5 (MANE Select); coding-DNA position 2102, C replaced by G.
Protein change: p.Ala701Gly; replaces alanine 701 with glycine.
Molecular consequence: missense variant.
Genome position (GRCh38, 1-based): chr15:48,503,798, G>C on the plus strand (C>G on the coding strand, the complement: FBN1 is on the minus strand). VCF-style: chr15-48503798-G-C. GRCh37 (hg19) VCF-style: chr15-48795995-G-C.
Other names: c.2102C>G, p.Ala701Gly (NM_001406716.1); short protein forms A701G.
Identifiers: ClinVar variation 3073476 (VCV003073476.1), dbSNP rs2043683958, ClinGen allele CA392337920.

ClinVar aggregate classification (germline): Uncertain significance (1 of 4 stars; one submission).

Conditions:
Marfan syndrome (MFS). Also called: MARFAN SYNDROME, TYPE I; Marfan syndrome type 1; Marfan's syndrome; Marfan syndrome, classic; FBN1-Related Marfan Syndrome. Identifiers: Orphanet 284963, Orphanet 558, MedGen C0024796, MONDO:0007947, OMIM 154700.

Submission:

All of Us Research Program, National Institutes of Health
Classification: Uncertain significance for Marfan syndrome. Last evaluated: 2023-09-17. Review status: criteria provided, single submitter. Criteria: ACMG Guidelines, 2015. Collection method: clinical testing. Allele origin: germline. Inheritance: Autosomal dominant inheritance. Observed: 1 variant allele, 1 heterozygote.
Comment: This missense variant replaces alanine with glycine at codon 701 of the FBN1 protein. Computational prediction suggests that this variant may not impact protein structure and function (internally defined REVEL score threshold <= 0.5, PMID: 27666373). To our knowledge, functional studies have not been reported for this variant. This variant has not been reported in individuals affected with FBN1-related disorders in the literature. This variant has not been identified in the general population by the Genome Aggregation Database (gnomAD). The available evidence is insufficient to determine the role of this variant in disease conclusively. Therefore, this variant is classified as a Variant of Uncertain Significance.

This study involves interpretation of variants in research participants for the purpose of population health screening. Participant phenotype was not available at the time of variant classification. Additional details can be found in publication PMID: 35346344, PMCID: PMC8962531